The following is an entry in ClinVar:

ClinVar aggregate classification (germline): Uncertain significance. Review status: criteria provided, multiple submitters, no conflicts (2 of 4 stars). 2 submissions from 2 submitters: Uncertain significance (2). Last evaluated 2023-05-01.

Conditions:
Inborn genetic diseases. Identifiers: MedGen C0950123, MeSH D030342.

gnomAD v4.1: 4 of 1,201,250 alleles (0.00033%); highest among the groups gnomAD compares: Admixed American, 0.0022%; no homozygotes.

Submissions (2):

CeGaT Center for Human Genetics Tuebingen
Classification: Uncertain significance. Last evaluated: 2023-05-01. Review status: criteria provided, single submitter. Criteria: CeGaT Center For Human Genetics Tuebingen Variant Classification Criteria Version 2. Collection method: clinical testing. Allele origin: germline. Affected: yes. Observed: 1 variant allele.
Comment: HUWE1: PM2:Supporting, PP2, BP4

Ambry Genetics
Classification: Uncertain significance for Inborn genetic diseases. Last evaluated: 2021-08-17. Review status: criteria provided, single submitter. Criteria: Ambry Variant Classification Scheme 2023. Collection method: clinical testing. Allele origin: germline.

NM_031407.7(HUWE1):c.10546G>A (p.Ala3516Thr)

Gene: HUWE1 (HECT, UBA and WWE domain containing E3 ubiquitin protein ligase 1; minus strand). Cytogenetic location: Xp11.22.
Variant type: single nucleotide variant.
Coding change: c.10546G>A on transcript NM_031407.7 (MANE Select); coding-DNA position 10546, G replaced by A.
Protein change: p.Ala3516Thr; replaces alanine 3516 with threonine.
Molecular consequence: missense variant.
Genome position (GRCh38, 1-based): chrX:53,547,763, C>T on the plus strand (G>A on the coding strand, the complement: HUWE1 is on the minus strand). VCF-style: chrX-53547763-C-T. GRCh37 (hg19) VCF-style: chrX-53574724-C-T.
Other names: short protein forms A3516T.
Identifiers: ClinVar variation 2385328 (VCV002385328.26), dbSNP rs915089345, ClinGen allele CA413135360.